The following is an entry in ClinVar:

NM_001365276.2(TNXB):c.10493A>C (p.Asp3498Ala)

Gene: TNXB (tenascin XB; minus strand). Cytogenetic location: 6p21.33.
Variant type: single nucleotide variant.
Coding change: c.10493A>C on transcript NM_001365276.2 (MANE Select); coding-DNA position 10493, A replaced by C.
Protein change: p.Asp3498Ala; replaces aspartic acid 3498 with alanine.
Molecular consequence: missense variant.
Genome position (GRCh38, 1-based): chr6:32,046,288, T>G on the plus strand (A>C on the coding strand, the complement: TNXB is on the minus strand). VCF-style: chr6-32046288-T-G. GRCh37 (hg19) VCF-style: chr6-32014065-T-G.
Other names: c.11234A>C, p.Asp3745Ala (NM_001428335.1); c.10487A>C, p.Asp3496Ala (NM_019105.8); short protein forms D3496A, D3498A, D3745A.
Identifiers: ClinVar variation 3227227 (VCV003227227.1), dbSNP rs777789604, ClinGen allele CA363528560.

ClinVar aggregate classification (germline): Uncertain significance (1 of 4 stars; one submission).

Conditions:
Cardiovascular phenotype. Identifiers: MedGen CN230736.

Submission:

Ambry Genetics
Classification: Uncertain significance for Cardiovascular phenotype. Last evaluated: 2023-11-10. Review status: criteria provided, single submitter. Criteria: Ambry Variant Classification Scheme 2023. Collection method: clinical testing. Allele origin: germline.
Comment: The p.D3496A variant (also known as c.10487A>C), located in coding exon 30 of the TNXB gene, results from an A to C substitution at nucleotide position 10487. The aspartic acid at codon 3496 is replaced by alanine, an amino acid with dissimilar properties. This amino acid position is conserved. In addition, this alteration is predicted to be tolerated by in silico analysis. Since supporting evidence is limited at this time, the clinical significance of this alteration remains unclear.